The following is an entry in ClinVar:

ClinVar aggregate classification (germline): Uncertain significance (1 of 4 stars; one submission).

Submission:

Labcorp Genetics (formerly Invitae), Labcorp
Classification: Uncertain significance. Last evaluated: 2023-11-27. Review status: criteria provided, single submitter. Criteria: Invitae Variant Classification Sherloc (09022015). Collection method: clinical testing. Allele origin: germline.
Comment: This sequence change affects codon 780 of the COL11A1 mRNA. It is a 'silent' change, meaning that it does not change the encoded amino acid sequence of the COL11A1 protein. This variant also falls at the last nucleotide of exon 28, which is part of the consensus splice site for this exon. This variant is not present in population databases (gnomAD no frequency). This variant has not been reported in the literature in individuals affected with COL11A1-related conditions. Variants that disrupt the consensus splice site are a relatively common cause of aberrant splicing (PMID: 17576681, 9536098). Algorithms developed to predict the effect of sequence changes on RNA splicing suggest that this variant may disrupt the consensus splice site. In summary, the available evidence is currently insufficient to determine the role of this variant in disease. Therefore, it has been classified as a Variant of Uncertain Significance.

Literature cited by the submitters: PubMed 17576681; PubMed 9536098.

NM_001854.4(COL11A1):c.2340G>A (p.Lys780=)

Gene: COL11A1 (collagen type XI alpha 1 chain; minus strand). Cytogenetic location: 1p21.1.
Variant type: single nucleotide variant.
Coding change: c.2340G>A on transcript NM_001854.4 (MANE Select); coding-DNA position 2340, G replaced by A.
Protein change: p.Lys780=; no amino-acid change (lysine 780 retained).
Molecular consequence: synonymous variant. On other transcripts: non-coding transcript variant (1).
Genome position (GRCh38, 1-based): chr1:102,995,864, C>T on the plus strand (G>A on the coding strand, the complement: COL11A1 is on the minus strand). VCF-style: chr1-102995864-C-T. GRCh37 (hg19) VCF-style: chr1-103461420-C-T.
Other names: c.1992G>A, p.Lys664= (NM_001168249.1, NM_080630.4); c.2223G>A, p.Lys741= (NM_001190709.2); c.2376G>A, p.Lys792= (NM_080629.3).
Identifiers: ClinVar variation 2761598 (VCV002761598.3), dbSNP rs2525285897, ClinGen allele CA419205198.